The following is an entry in ClinVar:

ClinVar aggregate classification (germline): Uncertain significance. Review status: criteria provided, multiple submitters, no conflicts (2 of 4 stars). 2 submissions from 2 submitters: Uncertain significance (2). Last evaluated 2026-04-14.

Conditions:
Low phospholipid associated cholelithiasis (GBD1). Also called: Gallbladder disease 1; Gallstone cholecystitis. Identifiers: Orphanet 69663, MedGen C2609268, MONDO:0010939, OMIM 600803.
Familial intrahepatic cholestasis. Identifiers: Orphanet 284385, MedGen CN296401, MONDO:0017290.
ABCB4-related disorder. Also called: ABCB4-related disorders; ABCB4-related condition.

gnomAD v4.1: 19 of 1,614,006 alleles (0.0012%); highest among the groups gnomAD compares: South Asian, 0.0099%; no homozygotes.

Submissions (2):

Genomenon, Inc
Classification: Uncertain significance for Familial intrahepatic cholestasis; Low phospholipid associated cholelithiasis. Last evaluated: 2026-04-14. Review status: criteria provided, single submitter. Criteria: Genomenon Sequence Variant Interpretation Standards - Updated. Collection method: curation. Allele origin: germline. Affected: no.
Comment: ABCB4 p.Met676Ile (c.2028G>A) is a missense variant that changes the amino acid at residue 676 from Methionine to Isoleucine. This variant has been reported in the published literature (PMID:37208429). It is absent or not present at a significant frequency in gnomAD. In silico models predict that this variant is not damaging. In conclusion, we classify ABCB4 p.Met676Ile (c.2028G>A) as a variant of uncertain significance.

PreventionGenetics, part of Exact Sciences
Classification: Uncertain significance for ABCB4-related condition. Last evaluated: 2025-07-10. Review status: criteria provided, single submitter. Criteria: ACMG Guidelines, 2015. Collection method: clinical testing. Allele origin: germline.
Comment: The ABCB4 c.2028G>A variant is predicted to result in the amino acid substitution p.Met676Ile. The p.Met676Ile variant has been reported in an individual with gallstone disease (Table 3, Zöllner et al. 2023. PubMed ID: 37208429). This variant is reported in 0.027% of alleles in individuals of East Asian descent in gnomAD. At this time, the clinical significance of this variant is uncertain due to the absence of conclusive functional and genetic evidence.

Literature cited by the submitters: PubMed 37208429 (cited by Genomenon, Inc).

NM_000443.4(ABCB4):c.2028G>A (p.Met676Ile)

Gene: ABCB4 (ATP binding cassette subfamily B member 4; minus strand). Cytogenetic location: 7q21.12.
Variant type: single nucleotide variant.
Coding change: c.2028G>A on transcript NM_000443.4 (MANE Select); coding-DNA position 2028, G replaced by A.
Protein change: p.Met676Ile; replaces methionine 676 with isoleucine.
Molecular consequence: missense variant.
Genome position (GRCh38, 1-based): chr7:87,426,786, C>T on the plus strand (G>A on the coding strand, the complement: ABCB4 is on the minus strand). VCF-style: chr7-87426786-C-T. GRCh37 (hg19) VCF-style: chr7-87056102-C-T.
Other names: c.2028G>A, p.Met676Ile (NM_018849.3, NM_018850.3); c.2028G>A (NM_000443.3); short protein forms M676I.
Identifiers: ClinVar variation 4846561 (VCV004846561.2).